The following is an entry in ClinVar:

NM_000059.4(BRCA2):c.9064del (p.Arg3022fs)

Gene: BRCA2 (BRCA2 DNA repair associated; plus strand). Cytogenetic location: 13q13.1.
Variant type: Deletion.
Coding change: c.9064del on transcript NM_000059.4 (MANE Select); coding-DNA position 9064, one base deleted (A; older notation c.9064delA).
Protein change: p.Arg3022fs; shifts the reading frame from arginine 3022.
Molecular consequence: frameshift variant. On other transcripts: non-coding transcript variant (1).
Genome position (GRCh38, 1-based): chr13:32,379,860, A deleted; the last of 3 consecutive A bases (chr13:32,379,858-32,379,860); deleting any one gives the same sequence. VCF-style (leftmost placement, unchanged base first): chr13-32379857-GA-G. GRCh37 (hg19) VCF-style: chr13-32953994-GA-G.
Other names: c.9064delA, p.Arg3022Glufs (NM_000059.3); c.8968del, p.Arg2990fs (NM_001406719.1); c.9013del, p.Arg3005fs (NM_001406720.1); c.4132del, p.Arg1378fs (NM_001406721.1); c.2647del, p.Arg883fs (NM_001406722.1); c.9064del (NM_000059.3); short protein forms R3022fs, R1378fs, R883fs, R2990fs, R3005fs.
Identifiers: ClinVar variation 2451550 (VCV002451550.4), dbSNP rs886040817, ClinGen allele CA2580087494.

ClinVar aggregate classification (germline): Pathogenic/Likely pathogenic. Review status: criteria provided, multiple submitters, no conflicts (2 of 4 stars). 2 submissions from 2 submitters: Pathogenic (1); Likely pathogenic (1). Last evaluated 2025-10-18.

Conditions:
Hereditary cancer-predisposing syndrome. Also called: Neoplastic Syndromes, Hereditary; Tumor predisposition; Hereditary neoplastic syndrome; Hereditary Cancer Syndrome. Identifiers: Orphanet 140162, MedGen C0027672, MeSH D009386, MONDO:0015356.

Submissions (2):

Quest Diagnostics Nichols Institute San Juan Capistrano
Classification: Likely pathogenic. Last evaluated: 2025-10-18. Review status: criteria provided, single submitter. Criteria: Quest Diagnostics criteria. Collection method: clinical testing. Allele origin: unknown.
Comment: The BRCA2 c.9064del (p.Arg3022Glufs*6) variant alters the translational reading frame of the BRCA2 mRNA and is predicted to cause the premature termination of BRCA2 protein synthesis. This variant has not been reported in individuals with BRCA2-related conditions in the published literature. This variant has not been reported in large, multi-ethnic general populations (Genome Aggregation Database). Based on the available information, this variant is classified as likely pathogenic .

Ambry Genetics
Classification: Pathogenic for Hereditary cancer-predisposing syndrome. Last evaluated: 2023-02-10. Review status: criteria provided, single submitter. Criteria: Ambry Variant Classification Scheme 2023. Collection method: clinical testing. Allele origin: germline.
Comment: The c.9064delA pathogenic mutation, located in coding exon 22 of the BRCA2 gene, results from a deletion of one nucleotide at nucleotide position 9064, causing a translational frameshift with a predicted alternate stop codon (p.R3022Efs*6). This variant is considered to be rare based on population cohorts in the Genome Aggregation Database (gnomAD). This alteration is expected to result in loss of function by premature protein truncation or nonsense-mediated mRNA decay. As such, this alteration is interpreted as a disease-causing mutation.